The following is an entry in ClinVar:

ClinVar aggregate classification (germline): Uncertain significance (1 of 4 stars; one submission).

Conditions:
Neurodevelopmental disorder. Identifiers: MedGen C1535926, MeSH D065886, MONDO:0700092.

Submission:

Victorian Clinical Genetics Services, Murdoch Childrens Research Institute
Classification: Uncertain significance for Neurodevelopmental disorder. Last evaluated: 2025-02-10. Review status: criteria provided, single submitter. Criteria: ACMG Guidelines, 2015. Collection method: clinical testing. Allele origin: germline. Affected: yes.
Comment: This variant is classified as VUS-3A. Evidence in support of pathogenic classification: Variant is absent from gnomAD (v2, v3 and v4); Additional information: Variant is predicted to result in a missense amino acid change from glutamic acid to lysine; This variant is heterozygous; This gene is associated with autosomal dominant disease. Variants associated with retinitis pigmentosa 13 (MIM#600059) are primarily within the C-terminal of Jab1/MPN domain, while variants associated with neurodevelopmental disorder (MONDO:0700092), PRPF8-related, are located throughout the protein (PMIDs: 29087248, 35543142); Alternative amino acid change(s) at the same position are present in gnomAD (Highest allele count: v4: 1 heterozygote(s), 0 homozygote(s)); This variant has no previous evidence of pathogenicity; No published segregation evidence has been identified for this variant; No published functional evidence has been identified for this variant; No comparable missense variants have previous evidence for pathogenicity; Variant is not located in an established domain, motif, hotspot or informative constraint region; Missense variant with inconclusive in silico prediction and uninformative conservation; The mechanism of disease for this gene is not clearly established; Variants in this gene are known to have variable expressivity. Variable expressivity has been reported in families with retinitis pigmentosa (PMIDs: 22039234, 29087248).

Literature cited by the submitters: PubMed 22039234; PubMed 29087248; PubMed 35543142.

NM_006445.4(PRPF8):c.79G>A (p.Glu27Lys)

Gene: PRPF8 (pre-mRNA processing factor 8; minus strand). Cytogenetic location: 17p13.3.
Variant type: single nucleotide variant.
Coding change: c.79G>A on transcript NM_006445.4 (MANE Select); coding-DNA position 79, G replaced by A.
Protein change: p.Glu27Lys; replaces glutamic acid 27 with lysine.
Molecular consequence: missense variant.
Genome position (GRCh38, 1-based): chr17:1,684,493, C>T on the plus strand (G>A on the coding strand, the complement: PRPF8 is on the minus strand). VCF-style: chr17-1684493-C-T. GRCh37 (hg19) VCF-style: chr17-1587787-C-T.
Other names: short protein forms E27K.
Identifiers: ClinVar variation 4531634 (VCV004531634.1).
Genomic context (GRCh38, chr17:1,684,493, plus strand): 5'-CGCCTCCGGCCCGCGCGCCGCTCCACACTCTCGCCTCACCTTTCTCCTGCAGCTTCTCCT[C>T]CGACATGTAGTCCGGTAGCGGGGCTAGAGGGCCAGGCACCGGGTTACCCGGCCCTCGATA-3'
Protein context (NP_006436.3, residues 17-37): PLAPLPDYMS[Glu27Lys]EKLQEKARKW